The following is an entry in ClinVar:

NM_002887.4(RARS1):c.1346+235G>T

Gene: RARS1 (arginyl-tRNA synthetase 1; plus strand). Cytogenetic location: 5q34.
Variant type: single nucleotide variant.
Coding change: c.1346+235G>T on transcript NM_002887.4 (MANE Select); 235 bases into the intron after coding-DNA position 1346, G replaced by T.
Molecular consequence: intron variant.
Genome position (GRCh38, 1-based): chr5:168,507,066, G>T. VCF-style: chr5-168507066-G-T. GRCh37 (hg19) VCF-style: chr5-167934071-G-T.
Identifiers: ClinVar variation 673233 (VCV000673233.1), dbSNP rs1870052, ClinGen allele CA131943767.

ClinVar aggregate classification (germline): Benign (1 of 4 stars; one submission).

Allele frequency attached by ClinVar (database versions not stated): gnomAD 0.03591 and 0.03853; TOPMed 0.04100; 1000 Genomes Project 0.04193; 1000 Genomes Project 30x 0.04544.
gnomAD v4.1: 5,434 of 152,244 alleles (3.6%); highest among the groups gnomAD compares: African/African-American, 12%; 306 homozygotes.

Submission:

GeneDx
Classification: Benign. Last evaluated: 2018-06-14. Review status: criteria provided, single submitter. Criteria: GeneDx Variant Classification (06012015). Collection method: clinical testing. Allele origin: germline. Affected: yes.
Comment: This variant is considered likely benign or benign based on one or more of the following criteria: it is a conservative change, it occurs at a poorly conserved position in the protein, it is predicted to be benign by multiple in silico algorithms, and/or has population frequency not consistent with disease.